The following is an entry in ClinVar:

ClinVar aggregate classification (germline): Uncertain significance (1 of 4 stars; one submission).

Conditions:
Cerebellar dysfunction with variable cognitive and behavioral abnormalities (CECBA). Also called: Nonprogressive cerebellar atxia with intellectual disability. Identifiers: Orphanet 314647, MedGen C3553661, MONDO:0013886, OMIM 614756.

Submission:

Victorian Clinical Genetics Services, Murdoch Childrens Research Institute
Classification: Uncertain significance for Cerebellar dysfunction with variable cognitive and behavioral abnormalities. Last evaluated: 2020-10-15. Review status: criteria provided, single submitter. Criteria: ACMG Guidelines, 2015. Collection method: clinical testing. Allele origin: germline. Inheritance: Autosomal dominant inheritance. Affected: yes.
Comment: Based on the classification scheme VCGS_Germline_v1.3.3, this variant is classified as 3C-VUS. Following criteria are met: 0102 - Loss of function is a known mechanism of disease in this gene and is associated with cerebellar ataxia, nonprogressive, with intellectual disability (MIM#614756). (I) 0107 - This gene is associated with autosomal dominant disease. (I) 0200 - Variant is predicted to result in a missense amino acid change from alanine to glycine. (I) 0219 - This variant is non-coding in an alternative transcript. However, it is coding in the predominantly reported in ClinVar. (I) 0251 - This variant is heterozygous. (I) 0301 - Variant is absent from gnomAD (both v2 and v3). (SP) 0503 - Missense variant consistently predicted to be tolerated by multiple in silico tools or not conserved in placental mammals with a minor amino acid change. (SB) 0604 - Variant is not located in an established domain, motif, hotspot or informative constraint region. (I) 0705 - No comparable missense variants have previous evidence for pathogenicity. (I) 0807 - This variant has no previous evidence of pathogenicity. (I) 0905 - No published segregation evidence has been identified for this variant. (I) 1007 - No published functional evidence has been identified for this variant. (I) 1208 - Inheritance information for this variant is not currently available in this individual. (I) Legend: (SP) - Supporting pathogenic, (I) - Information, (SB) - Supporting benign

NM_015215.4(CAMTA1):c.1514C>G (p.Ala505Gly)

Gene: CAMTA1 (calmodulin binding transcription activator 1; plus strand). Cytogenetic location: 1p36.23.
Variant type: single nucleotide variant.
Coding change: c.1514C>G on transcript NM_015215.4 (MANE Select); coding-DNA position 1514, C replaced by G.
Protein change: p.Ala505Gly; replaces alanine 505 with glycine.
Molecular consequence: missense variant.
Genome position (GRCh38, 1-based): chr1:7,664,061, C>G. VCF-style: chr1-7664061-C-G. GRCh37 (hg19) VCF-style: chr1-7724121-C-G.
Other names: c.1424C>G, p.Ala475Gly (NM_001349608.2, NM_001349612.2); c.1514C>G, p.Ala505Gly (NM_001349609.2, NM_001349610.2, NM_001410737.1); c.1442C>G, p.Ala481Gly (NM_001410738.1); short protein forms A475G, A481G, A505G.
Identifiers: ClinVar variation 1804892 (VCV001804892.1), dbSNP rs2523720755, ClinGen allele CA338127780.